The following is an entry in ClinVar:

NM_000038.6(APC):c.422+6T>C

Gene: APC (APC regulator of Wnt signaling pathway; plus strand). Cytogenetic location: 5q22.2.
Variant type: single nucleotide variant.
Coding change: c.422+6T>C on transcript NM_000038.6 (MANE Select); 6 bases into the intron after coding-DNA position 422, T replaced by C.
Molecular consequence: intron variant.
Genome position (GRCh38, 1-based): chr5:112,767,396, T>C. VCF-style: chr5-112767396-T-C. GRCh37 (hg19) VCF-style: chr5-112103093-T-C.
Other names: c.452+6T>C (NM_001127511.3, NM_001354897.2, NM_001354902.2); c.422+6T>C (NM_001127510.3, NM_001354896.2, NM_001354903.2 and 2 more transcripts); c.347+6T>C (NM_001354904.2, NM_001354898.2); c.-614+6T>C (NM_001354906.2); c.245+6T>C (NM_001354900.2, NM_001354901.2, NM_001354905.2).
Identifiers: ClinVar variation 220252 (VCV000220252.10), dbSNP rs864622442, ClinGen allele CA349506.

ClinVar aggregate classification (germline): Uncertain significance (1 of 4 stars; one submission).

Conditions:
Familial adenomatous polyposis 1 (FAP1). Also called: FAMILIAL ADENOMATOUS POLYPOSIS 1, ATTENUATED; POLYPOSIS, ADENOMATOUS INTESTINAL. Identifiers: MedGen C2713442, MONDO:0021056, OMIM 175100. Disease mechanism: loss of function.

Allele frequency attached by ClinVar (database versions not stated): gnomAD exomes below 0.00001; TOPMed 0.00001.
gnomAD v4.1: 1 of 1,607,138 alleles (0.000062%); highest among the groups gnomAD compares: Non-Finnish European, 0.000085%; no homozygotes.

Submission:

Labcorp Genetics (formerly Invitae), Labcorp
Classification: Uncertain significance for Familial adenomatous polyposis 1. Last evaluated: 2025-02-07. Review status: criteria provided, single submitter. Criteria: Invitae Variant Classification Sherloc (09022015). Collection method: clinical testing. Allele origin: germline.
Comment: This sequence change falls in intron 4 of the APC gene. It does not directly change the encoded amino acid sequence of the APC protein. It affects a nucleotide within the consensus splice site. This variant is not present in population databases (gnomAD no frequency). This variant has not been reported in the literature in individuals affected with APC-related conditions. ClinVar contains an entry for this variant (Variation ID: 220252). Variants that disrupt the consensus splice site are a relatively common cause of aberrant splicing (PMID: 17576681, 9536098). Algorithms developed to predict the effect of sequence changes on RNA splicing suggest that this variant is not likely to affect RNA splicing. In summary, the available evidence is currently insufficient to determine the role of this variant in disease. Therefore, it has been classified as a Variant of Uncertain Significance.

Literature cited by the submitters: PubMed 17576681; PubMed 9536098.